The following is an entry in ClinVar:

NM_002890.3(RASA1):c.235G>A (p.Gly79Arg)

Gene: RASA1 (RAS p21 protein activator 1; plus strand). Cytogenetic location: 5q14.3.
Variant type: single nucleotide variant.
Coding change: c.235G>A on transcript NM_002890.3 (MANE Select); coding-DNA position 235, G replaced by A.
Protein change: p.Gly79Arg; replaces glycine 79 with arginine.
Molecular consequence: missense variant.
Genome position (GRCh38, 1-based): chr5:87,268,686, G>A. VCF-style: chr5-87268686-G-A. GRCh37 (hg19) VCF-style: chr5-86564503-G-A.
Other names: short protein forms G79R.
Identifiers: ClinVar variation 4771864 (VCV004771864.1).

ClinVar aggregate classification (germline): Uncertain significance (1 of 4 stars; one submission).

Conditions:
Capillary malformation-arteriovenous malformation syndrome. Also called: Capillary malformation-arteriovenous malformation. Identifiers: Orphanet 137667, MedGen C1842180, MONDO:0012016.

gnomAD v4.1: 1 of 1,611,362 alleles (0.000062%); highest among the groups gnomAD compares: Admixed American, 0.0017%; no homozygotes.

Submission:

Labcorp Genetics (formerly Invitae), Labcorp
Classification: Uncertain significance for Capillary malformation-arteriovenous malformation syndrome. Last evaluated: 2025-11-06. Review status: criteria provided, single submitter. Criteria: Invitae Variant Classification Sherloc (09022015). Collection method: clinical testing. Allele origin: germline.
Comment: This sequence change replaces glycine, which is neutral and non-polar, with arginine, which is basic and polar, at codon 79 of the RASA1 protein (p.Gly79Arg). This variant is not present in population databases (gnomAD no frequency). This variant has not been reported in the literature in individuals affected with RASA1-related conditions. An algorithm developed to predict the effect of missense changes on protein structure and function (PolyPhen-2) suggests that this variant is likely to be disruptive. In summary, the available evidence is currently insufficient to determine the role of this variant in disease. Therefore, it has been classified as a Variant of Uncertain Significance.